The following is an entry in ClinVar:

ClinVar aggregate classification (germline): Uncertain significance (1 of 4 stars; one submission).

Conditions:
Pseudo-Hurler polydystrophy. Also called: ML III; ML III ALPHA/BETA; MUCOLIPIDOSIS IIIA; Type III Mucolipidosis; ML IIIA; Mucolipidosis III Alpha/Beta. Identifiers: Orphanet 423461, Orphanet 577, MedGen C0033788, MONDO:0018931, OMIM 252600.
Mucolipidosis type II. Also called: ML II ALPHA/BETA; Mucolipidosis 2; ML 2; Inclusion cell disease; Leroy Disease; N-acetylglucosamine 1phosphotransferase deficiency. Identifiers: Orphanet 576, MedGen C2673377, MONDO:0009650, OMIM 252500.

Submission:

Labcorp Genetics (formerly Invitae), Labcorp
Classification: Uncertain significance for Pseudo-Hurler polydystrophy; Mucolipidosis type II. Last evaluated: 2022-08-18. Review status: criteria provided, single submitter. Criteria: Invitae Variant Classification Sherloc (09022015). Collection method: clinical testing. Allele origin: germline.
Comment: This variant has not been reported in the literature in individuals affected with GNPTAB-related conditions. ClinVar contains an entry for this variant (Variation ID: 1431013). Advanced modeling of protein sequence and biophysical properties (such as structural, functional, and spatial information, amino acid conservation, physicochemical variation, residue mobility, and thermodynamic stability) performed at Invitae indicates that this missense variant is not expected to disrupt GNPTAB protein function. In summary, the available evidence is currently insufficient to determine the role of this variant in disease. Therefore, it has been classified as a Variant of Uncertain Significance. This variant is not present in population databases (gnomAD no frequency). This sequence change replaces threonine, which is neutral and polar, with alanine, which is neutral and non-polar, at codon 240 of the GNPTAB protein (p.Thr240Ala).

NM_024312.5(GNPTAB):c.718A>G (p.Thr240Ala)

Gene: GNPTAB (N-acetylglucosamine-1-phosphate transferase subunits alpha and beta; minus strand). Cytogenetic location: 12q23.2.
Variant type: single nucleotide variant.
Coding change: c.718A>G on transcript NM_024312.5 (MANE Select); coding-DNA position 718, A replaced by G.
Protein change: p.Thr240Ala; replaces threonine 240 with alanine.
Molecular consequence: missense variant.
Genome position (GRCh38, 1-based): chr12:101,780,205, T>C on the plus strand (A>G on the coding strand, the complement: GNPTAB is on the minus strand). VCF-style: chr12-101780205-T-C. GRCh37 (hg19) VCF-style: chr12-102173983-T-C.
Other names: short protein forms T240A.
Identifiers: ClinVar variation 1431013 (VCV001431013.8), dbSNP rs2137136978, ClinGen allele CA386304425.